The following is an entry in ClinVar:

ClinVar aggregate classification (germline): Pathogenic (1 of 4 stars; one submission).

Submission:

Labcorp Genetics (formerly Invitae), Labcorp
Classification: Pathogenic. Last evaluated: 2021-03-09. Review status: criteria provided, single submitter. Criteria: Invitae Variant Classification Sherloc (09022015). Collection method: clinical testing. Allele origin: germline.
Comment: This variant has not been reported in the literature in individuals with VPS13A-related conditions. For these reasons, this variant has been classified as Pathogenic. This variant is not present in population databases (ExAC no frequency). This sequence change creates a premature translational stop signal (p.Leu88Tyrfs*3) in the VPS13A gene. It is expected to result in an absent or disrupted protein product. Loss-of-function variants in VPS13A are known to be pathogenic (PMID: 12404112, 21598378).

Literature cited by the submitters: PubMed 12404112; PubMed 21598378.

NM_033305.3(VPS13A):c.263del (p.Leu88fs)

Gene: VPS13A (vacuolar protein sorting 13 homolog A; plus strand). Cytogenetic location: 9q21.2.
Variant type: Deletion.
Coding change: c.263del on transcript NM_033305.3 (MANE Select); coding-DNA position 263, one base deleted (T; older notation c.263delT).
Protein change: p.Leu88fs; shifts the reading frame from leucine 88.
Molecular consequence: frameshift variant.
Genome position (GRCh38, 1-based): chr9:77,205,388, T deleted; the last of 3 consecutive T bases (chr9:77,205,386-77,205,388); deleting any one gives the same sequence. VCF-style (leftmost placement, unchanged base first): chr9-77205385-AT-A. GRCh37 (hg19) VCF-style: chr9-79820301-AT-A.
Other names: c.263del, p.Leu88fs (NM_001018037.2, NM_001018038.3, NM_015186.4); short protein forms L88fs.
Identifiers: ClinVar variation 1371456 (VCV001371456.6), dbSNP rs2131123226, ClinGen allele CA2573144770.
Genomic context (GRCh38, chr9:77,205,385, plus strand): 5'-TTATAATTCCATGGAAAAACCTTTATACTCAACCTGTTGAAGCCGTATTGGAAGAAATTT[AT>A]TTACTTATAGTGCCTTCTTCTAGTAAGTTAAATTTAAAAAAATTATAATTTAAGTTATTC-3'